The following is an entry in ClinVar:

NM_000368.5(TSC1):c.2968G>T (p.Glu990Ter)

Gene: TSC1 (TSC complex subunit 1; minus strand). Cytogenetic location: 9q34.13.
Variant type: single nucleotide variant.
Coding change: c.2968G>T on transcript NM_000368.5 (MANE Select); coding-DNA position 2968, G replaced by T.
Protein change: p.Glu990Ter; replaces glutamic acid 990 with a stop codon.
Molecular consequence: nonsense. On other transcripts: non-coding transcript variant (5).
Genome position (GRCh38, 1-based): chr9:132,897,191, C>A on the plus strand (G>T on the coding strand, the complement: TSC1 is on the minus strand). VCF-style: chr9-132897191-C-A. GRCh37 (hg19) VCF-style: chr9-135772578-C-A.
Other names: c.2965G>T, p.Glu989Ter (NM_001406599.1, NM_001406600.1, NM_001162426.2 and 2 more transcripts); c.2953G>T, p.Glu985Ter (NM_001406601.1, NM_001406602.1); c.2950G>T, p.Glu984Ter (NM_001406603.1, NM_001406604.1); c.2926G>T, p.Glu976Ter (NM_001406605.1, NM_001406606.1, NM_001406607.1); c.2923G>T, p.Glu975Ter (NM_001406608.1, NM_001406609.1); c.2014G>T, p.Glu672Ter (NM_001406628.1, NM_001406627.1); c.1915G>T, p.Glu639Ter (NM_001406629.1, NM_001406630.1); c.2815G>T, p.Glu939Ter (NM_001162427.2, NM_001406610.1); and 8 more; short protein forms E855*, E939*, E989*, E854*, E869*, E938*, E985*, E990*.
Identifiers: ClinVar variation 4735903 (VCV004735903.1).

ClinVar aggregate classification (germline): Uncertain significance (1 of 4 stars; one submission).

Conditions:
Tuberous sclerosis 1 (TSC1). Identifiers: Orphanet 805, MedGen C1854465, MONDO:0008612, OMIM 191100.

Submission:

Labcorp Genetics (formerly Invitae), Labcorp
Classification: Uncertain significance for Tuberous sclerosis 1. Last evaluated: 2026-01-21. Review status: criteria provided, single submitter. Criteria: Invitae Variant Classification Sherloc (09022015). Collection method: clinical testing. Allele origin: germline.
Comment: This sequence change creates a premature translational stop signal (p.Glu990*) in the TSC1 gene. While this is not anticipated to result in nonsense mediated decay, it is expected to disrupt the last 175 amino acid(s) of the TSC1 protein. This variant is not present in population databases (gnomAD no frequency). This premature translational stop signal has been observed in individual(s) with clinical features of tuberous sclerosis complex (internal data). Experimental studies and prediction algorithms are not available or were not evaluated, and the functional significance of this variant is currently unknown. In summary, the available evidence is currently insufficient to determine the role of this variant in disease. Therefore, it has been classified as a Variant of Uncertain Significance.